The following is an entry in ClinVar:

ClinVar aggregate classification (germline): Uncertain significance (1 of 4 stars; one submission).

Submission:

GeneDx
Classification: Uncertain significance. Last evaluated: 2021-04-20. Review status: criteria provided, single submitter. Criteria: GeneDx Variant Classification Process June 2021. Collection method: clinical testing. Allele origin: germline. Affected: yes.
Comment: Not observed at a significant frequency in large population cohorts (Lek et al., 2016); In-frame deletion of 2 amino acids in a non-repeat region; In silico analysis supports that this variant does not alter protein structure/function; Has not been previously published as pathogenic or benign to our knowledge

NM_001195263.2(PDZD7):c.3067_3072del (p.Asp1023_Ser1024del)

Gene: PDZD7 (PDZ domain containing 7; minus strand). Cytogenetic location: 10q24.31.
Variant type: Deletion.
Coding change: c.3067_3072del on transcript NM_001195263.2 (MANE Select); coding-DNA positions 3067 to 3072, 6 bases deleted (GATTCT; older notation c.3067_3072delGATTCT).
Protein change: p.Asp1023_Ser1024del.
Molecular consequence: inframe deletion.
Genome position (GRCh38, 1-based): chr10:101,008,497-101,008,502, AGAATC deleted on the plus strand (GATTCT on the coding strand, the reverse complement: PDZD7 is on the minus strand); deleting any 6 consecutive bases within chr10:101,008,497-101,008,504 gives the same sequence; the c. name uses the placement nearest the transcript's 3' end. VCF-style (leftmost placement, unchanged base first): chr10-101008496-TAGAATC-T. GRCh37 (hg19) VCF-style: chr10-102768253-TAGAATC-T.
Identifiers: ClinVar variation 1314831 (VCV001314831.2), dbSNP rs962387635, ClinGen allele CA212977150.